The following is an entry in ClinVar:

NM_000540.3(RYR1):c.4393C>T (p.Leu1465Phe)

Gene: RYR1 (ryanodine receptor 1; plus strand). Cytogenetic location: 19q13.2.
Variant type: single nucleotide variant.
Coding change: c.4393C>T on transcript NM_000540.3 (MANE Select); coding-DNA position 4393, C replaced by T.
Protein change: p.Leu1465Phe; replaces leucine 1465 with phenylalanine.
Molecular consequence: missense variant.
Genome position (GRCh38, 1-based): chr19:38,477,809, C>T. VCF-style: chr19-38477809-C-T. GRCh37 (hg19) VCF-style: chr19-38968449-C-T.
Other names: c.4393C>T, p.Leu1465Phe (NM_001042723.2); short protein forms L1465F.
Identifiers: ClinVar variation 643348 (VCV000643348.8), dbSNP rs1005584992, ClinGen allele CA308084569.

ClinVar aggregate classification (germline): Uncertain significance (1 of 4 stars; one submission).

Conditions:
RYR1-related disorder. Also called: RYR1-related disorders; RYR1-related condition. Identifiers: MedGen CN239331.

Allele frequency attached by ClinVar (database versions not stated): gnomAD exomes below 0.00001.
gnomAD v4.1: 2 of 1,613,880 alleles (0.00012%); highest among the groups gnomAD compares: Non-Finnish European, 0.00017%; no homozygotes.

Submission:

Labcorp Genetics (formerly Invitae), Labcorp
Classification: Uncertain significance for RYR1-related disorder. Last evaluated: 2018-12-27. Review status: criteria provided, single submitter. Criteria: Invitae Variant Classification Sherloc (09022015). Collection method: clinical testing. Allele origin: germline.
Comment: In summary, the available evidence is currently insufficient to determine the role of this variant in disease. Therefore, it has been classified as a Variant of Uncertain Significance. This sequence change replaces leucine with phenylalanine at codon 1465 of the RYR1 protein (p.Leu1465Phe). The leucine residue is highly conserved and there is a small physicochemical difference between leucine and phenylalanine. This variant is not present in population databases (ExAC no frequency). This variant has not been reported in the literature in individuals with RYR1-related disease. Algorithms developed to predict the effect of missense changes on protein structure and function are either unavailable or do not agree on the potential impact of this missense change (SIFT: "Deleterious"; PolyPhen-2: "Probably Damaging"; Align-GVGD: "Class C0").